The following is an entry in ClinVar:

NM_018344.6(SLC29A3):c.981C>T (p.Cys327=)

Gene: SLC29A3 (solute carrier family 29 member 3; plus strand). Cytogenetic location: 10q22.1.
Variant type: single nucleotide variant.
Coding change: c.981C>T on transcript NM_018344.6 (MANE Select); coding-DNA position 981, C replaced by T.
Protein change: p.Cys327=; no amino-acid change (cysteine 327 retained).
Molecular consequence: synonymous variant. On other transcripts: 3 prime UTR variant (1), non-coding transcript variant (2).
Genome position (GRCh38, 1-based): chr10:71,362,161, C>T. VCF-style: chr10-71362161-C-T. GRCh37 (hg19) VCF-style: chr10-73121918-C-T.
Other names: c.*210C>T (NM_001174098.2); c.747C>T, p.Cys249= (NM_001363518.2).
Identifiers: ClinVar variation 1582408 (VCV001582408.9), dbSNP rs144433073, ClinGen allele CA5543100.

ClinVar aggregate classification (germline): Likely benign. Review status: criteria provided, multiple submitters, no conflicts (2 of 4 stars). 2 submissions from 2 submitters: Likely benign (2). Last evaluated 2026-09-01.

Conditions:
H syndrome. Also called: HISTIOCYTOSIS AND LYMPHADENOPATHY WITH OR WITHOUT CUTANEOUS, CARDIAC, AND/OR ENDOCRINE FEATURES, JOINT CONTRACTURES, AND/OR DEAFNESS; HYPERPIGMENTATION, CUTANEOUS, WITH HYPERTRICHOSIS, HEPATOSPLENOMEGALY, HEART ANOMALIES, AND HYPOGONADISM WITH OR WITHOUT HEARING LOSS; PIGMENTED HYPERTRICHOSIS WITH INSULIN-DEPENDENT DIABETES MELLITUS; ROSAI-DORFMAN DISEASE, FAMILIAL; SINUS HISTIOCYTOSIS AND MASSIVE LYMPHADENOPATHY; Hyperpigmentation, Cutaneous, with Hypertrichosis, Hepatosplenomegaly, Heart Anomalies, Hearing Loss, and Hypogonadism. Identifiers: Orphanet 168569, MedGen C1864445, MONDO:0011273, OMIM 602782.

Allele frequency attached by ClinVar (database versions not stated): gnomAD 0.00001; gnomAD exomes 0.00001 and 0.00002; ExAC 0.00003; TOPMed 0.00003; ESP Exome Variant Server 0.00023.
gnomAD v4.1: 22 of 1,614,022 alleles (0.0014%); highest among the groups gnomAD compares: Non-Finnish European, 0.0019%; no homozygotes.

Submissions (2):

CeGaT Center for Human Genetics Tuebingen
Classification: Likely benign. Last evaluated: 2026-09-01. Review status: criteria provided, single submitter. Criteria: CeGaT Center For Human Genetics Tuebingen Variant Classification Criteria Version 2. Collection method: clinical testing. Allele origin: germline. Affected: yes. Observed: 1 variant allele.
Comment: SLC29A3: BP4, BP7

Labcorp Genetics (formerly Invitae), Labcorp
Classification: Likely benign for H syndrome. Last evaluated: 2025-12-01. Review status: criteria provided, single submitter. Criteria: Invitae Variant Classification Sherloc (09022015). Collection method: clinical testing. Allele origin: germline.